The following is an entry in ClinVar:

ClinVar aggregate classification (germline): Uncertain significance (1 of 4 stars; one submission).

Allele frequency attached by ClinVar (database versions not stated): gnomAD 0.00001; gnomAD exomes 0.00001.
gnomAD v4.1: 5 of 1,551,440 alleles (0.00032%); highest among the groups gnomAD compares: South Asian, 0.0059%; no homozygotes.

Submission:

Labcorp Genetics (formerly Invitae), Labcorp
Classification: Uncertain significance. Last evaluated: 2022-02-20. Review status: criteria provided, single submitter. Criteria: Invitae Variant Classification Sherloc (09022015). Collection method: clinical testing. Allele origin: germline.
Comment: Algorithms developed to predict the effect of missense changes on protein structure and function are either unavailable or do not agree on the potential impact of this missense change (SIFT: "Deleterious"; PolyPhen-2: "Probably Damaging"; Align-GVGD: "Class C0"). In summary, the available evidence is currently insufficient to determine the role of this variant in disease. Therefore, it has been classified as a Variant of Uncertain Significance. This variant has not been reported in the literature in individuals affected with CPLANE1-related conditions. This variant is not present in population databases (gnomAD no frequency). This sequence change replaces alanine, which is neutral and non-polar, with valine, which is neutral and non-polar, at codon 988 of the CPLANE1 protein (p.Ala988Val).

NM_001384732.1(CPLANE1):c.2963C>T (p.Ala988Val)

Gene: CPLANE1 (ciliogenesis and planar polarity effector complex subunit 1; minus strand). Cytogenetic location: 5p13.2.
Variant type: single nucleotide variant.
Coding change: c.2963C>T on transcript NM_001384732.1 (MANE Select); coding-DNA position 2963, C replaced by T.
Protein change: p.Ala988Val; replaces alanine 988 with valine.
Molecular consequence: missense variant.
Genome position (GRCh38, 1-based): chr5:37,206,383, G>A on the plus strand (C>T on the coding strand, the complement: CPLANE1 is on the minus strand). VCF-style: chr5-37206383-G-A. GRCh37 (hg19) VCF-style: chr5-37206485-G-A.
Other names: c.2963C>T, p.Ala988Val (NM_023073.4); short protein forms A988V.
Identifiers: ClinVar variation 2090622 (VCV002090622.4), dbSNP rs1790742419, ClinGen allele CA359517533.